The following is an entry in ClinVar:

ClinVar aggregate classification (germline): Uncertain significance (1 of 4 stars; one submission).

gnomAD v4.1: 19 of 1,610,328 alleles (0.0012%); highest among the groups gnomAD compares: Admixed American, 0.0017%; no homozygotes.

Submission:

Labcorp Genetics (formerly Invitae), Labcorp
Classification: Uncertain significance. Last evaluated: 2024-11-25. Review status: criteria provided, single submitter. Criteria: Invitae Variant Classification Sherloc (09022015). Collection method: clinical testing. Allele origin: germline.
Comment: This sequence change replaces arginine, which is basic and polar, with lysine, which is basic and polar, at codon 2868 of the SRCAP protein (p.Arg2868Lys). This variant is present in population databases (no rsID available, gnomAD 0.0009%). This variant has not been reported in the literature in individuals affected with SRCAP-related conditions. Invitae Evidence Modeling of protein sequence and biophysical properties (such as structural, functional, and spatial information, amino acid conservation, physicochemical variation, residue mobility, and thermodynamic stability) indicates that this missense variant is not expected to disrupt SRCAP protein function with a negative predictive value of 80%. In summary, the available evidence is currently insufficient to determine the role of this variant in disease. Therefore, it has been classified as a Variant of Uncertain Significance.

NM_006662.3(SRCAP):c.8603G>A (p.Arg2868Lys)

Gene: SRCAP (Snf2 related CREBBP activator protein; plus strand). Cytogenetic location: 16p11.2.
Variant type: single nucleotide variant.
Coding change: c.8603G>A on transcript NM_006662.3 (MANE Select); coding-DNA position 8603, G replaced by A.
Protein change: p.Arg2868Lys; replaces arginine 2868 with lysine.
Molecular consequence: missense variant.
Genome position (GRCh38, 1-based): chr16:30,738,643, G>A. VCF-style: chr16-30738643-G-A. GRCh37 (hg19) VCF-style: chr16-30749964-G-A.
Other names: short protein forms R2868K.
Identifiers: ClinVar variation 3696520 (VCV003696520.2).